The following is an entry in ClinVar:

NM_019892.6(INPP5E):c.1926C>T (p.Ser642=)

Gene: INPP5E (inositol polyphosphate-5-phosphatase E; minus strand). Cytogenetic location: 9q34.3.
Variant type: single nucleotide variant.
Coding change: c.1926C>T on transcript NM_019892.6 (MANE Select); coding-DNA position 1926, C replaced by T.
Protein change: p.Ser642=; no amino-acid change (serine 642 retained).
Molecular consequence: synonymous variant.
Genome position (GRCh38, 1-based): chr9:136,429,684, G>A on the plus strand (C>T on the coding strand, the complement: INPP5E is on the minus strand). VCF-style: chr9-136429684-G-A. GRCh37 (hg19) VCF-style: chr9-139324136-G-A.
Other names: c.1923C>T, p.Ser641= (NM_001318502.2); c.1926C>T (NM_019892.5).
Identifiers: ClinVar variation 1628072 (VCV001628072.10), dbSNP rs201735585, ClinGen allele CA5336623.

ClinVar aggregate classification (germline): Likely benign. Review status: criteria provided, multiple submitters, no conflicts (2 of 4 stars). 3 submissions from 3 submitters: Likely benign (2). 1 of the submissions does not count toward it. Last evaluated 2023-02-24.

Conditions:
Joubert syndrome. Also called: Familial aplasia of the vermis; JOUBERT-BOLTSHAUSER SYNDROME. Identifiers: Orphanet 475, MedGen C5979921, MONDO:0018772.
INPP5E-related disorder. Also called: INPP5E-related condition.

Allele frequency attached by ClinVar (database versions not stated): gnomAD 0.00001 and 0.00003; TOPMed 0.00002; ExAC 0.00007.
gnomAD v4.1: 41 of 1,613,942 alleles (0.0025%); highest among the groups gnomAD compares: South Asian, 0.031%; no homozygotes.

Submissions (3):

Labcorp Genetics (formerly Invitae), Labcorp
Classification: Likely benign for Joubert syndrome. Last evaluated: 2023-02-24. Review status: criteria provided, single submitter. Criteria: Invitae Variant Classification Sherloc (09022015). Collection method: clinical testing. Allele origin: germline.

Blueprint Genetics
Classification: Likely benign. Last evaluated: 2022-07-29. Review status: criteria provided, single submitter. Criteria: ACMG Guidelines, 2015. Collection method: clinical testing. Allele origin: germline.

PreventionGenetics, part of Exact Sciences
Classification: Likely benign for INPP5E-related condition. Last evaluated: 2024-03-29. Review status: no assertion criteria provided. Collection method: clinical testing. Allele origin: germline. Not counted in ClinVar's aggregate classification.
Comment: This variant is classified as likely benign based on ACMG/AMP sequence variant interpretation guidelines (Richards et al. 2015 PMID: 25741868, with internal and published modifications).